The following is an entry in ClinVar:

ClinVar aggregate classification (germline): Uncertain significance (1 of 4 stars; one submission).

Conditions:
Chédiak-Higashi syndrome (CHS). Also called: Chediak-Higashi Syndrome. Identifiers: Orphanet 167, MedGen C0007965, MONDO:0008963, OMIM 214500.

gnomAD v4.1: 1 of 1,614,106 alleles (0.000062%); highest among the groups gnomAD compares: Non-Finnish European, 0.000085%; no homozygotes.

Submission:

Labcorp Genetics (formerly Invitae), Labcorp
Classification: Uncertain significance for Chédiak-Higashi syndrome. Last evaluated: 2020-02-26. Review status: criteria provided, single submitter. Criteria: Invitae Variant Classification Sherloc (09022015). Collection method: clinical testing. Allele origin: germline.
Comment: This sequence change replaces serine with tyrosine at codon 2153 of the LYST protein (p.Ser2153Tyr). The serine residue is weakly conserved and there is a large physicochemical difference between serine and tyrosine. This variant is not present in population databases (ExAC no frequency). This variant has not been reported in the literature in individuals with LYST-related conditions. Algorithms developed to predict the effect of missense changes on protein structure and function are either unavailable or do not agree on the potential impact of this missense change (SIFT: "Deleterious"; PolyPhen-2: "Benign"; Align-GVGD: "Class C0"). In summary, the available evidence is currently insufficient to determine the role of this variant in disease. Therefore, it has been classified as a Variant of Uncertain Significance.

NM_000081.4(LYST):c.6458C>A (p.Ser2153Tyr)

Gene: LYST (lysosomal trafficking regulator; minus strand). Cytogenetic location: 1q42.3.
Variant type: single nucleotide variant.
Coding change: c.6458C>A on transcript NM_000081.4 (MANE Select); coding-DNA position 6458, C replaced by A.
Protein change: p.Ser2153Tyr; replaces serine 2153 with tyrosine.
Molecular consequence: missense variant.
Genome position (GRCh38, 1-based): chr1:235,759,395, G>T on the plus strand (C>A on the coding strand, the complement: LYST is on the minus strand). VCF-style: chr1-235759395-G-T. GRCh37 (hg19) VCF-style: chr1-235922695-G-T.
Other names: c.6458C>A, p.Ser2153Tyr (NM_001301365.1); short protein forms S2153Y.
Identifiers: ClinVar variation 1017764 (VCV001017764.5), dbSNP rs780829179, ClinGen allele CA344941810.